The following is an entry in ClinVar:

ClinVar aggregate classification (germline): Uncertain significance (1 of 4 stars; one submission).

Conditions:
Cardiovascular phenotype. Identifiers: MedGen CN230736.

Allele frequency attached by ClinVar (database versions not stated): gnomAD exomes below 0.00001; gnomAD 0.00001; TOPMed 0.00001.
gnomAD v4.1: 6 of 1,613,420 alleles (0.00037%); highest among the groups gnomAD compares: Non-Finnish European, 0.00051%; no homozygotes.

Submission:

Ambry Genetics
Classification: Uncertain significance for Cardiovascular phenotype. Last evaluated: 2016-02-29. Review status: criteria provided, single submitter. Criteria: Ambry Variant Classification Scheme 2023. Collection method: clinical testing. Allele origin: germline.
Comment: The p.S16026G variant (also known as c.48076A>G), located in coding exon 153 of the TTN gene, results from an A to G substitution at nucleotide position 48076. The serine at codon 16026 is replaced by glycine, an amino acid with similar properties. This variant was not reported in population based cohorts in the following databases: Database of Single Nucleotide Polymorphisms (dbSNP), NHLBI Exome Sequencing Project (ESP), and 1000 Genomes Project. In the ESP, this variant was not observed in 6038 samples (12076 alleles) with coverage at this position. This amino acid position is highly conserved in available vertebrate species. In addition, this alteration is predicted to be tolerated by in silico analysis. Since supporting evidence is limited at this time, the clinical significance of this alteration remains unclear.

NM_001267550.2(TTN):c.75271A>G (p.Ser25091Gly)

Genes: TTN (titin; minus strand), TTN-AS1 (TTN antisense RNA 1; plus strand). Cytogenetic location: 2q31.2.
Variant type: single nucleotide variant.
Coding change: c.75271A>G on transcript NM_001267550.2 (MANE Select); coding-DNA position 75271, A replaced by G.
Protein change: p.Ser25091Gly; replaces serine 25091 with glycine.
Molecular consequence: missense variant.
Genome position (GRCh38, 1-based): chr2:178,570,861, T>C on the plus strand (A>G on the coding strand, the complement: TTN is on the minus strand). VCF-style: chr2-178570861-T-C. GRCh37 (hg19) VCF-style: chr2-179435588-T-C.
Other names: c.70348A>G, p.Ser23450Gly (NM_001256850.1); c.48076A>G, p.Ser16026Gly (NM_003319.4); c.67567A>G, p.Ser22523Gly (NM_133378.4); c.48451A>G, p.Ser16151Gly (NM_133432.3); c.48652A>G, p.Ser16218Gly (NM_133437.4); short protein forms S16026G, S25091G, S22523G, S23450G, S16218G, S16151G.
Identifiers: ClinVar variation 519088 (VCV000519088.5), dbSNP rs886609420, ClinGen allele CA60996153.